The following is an entry in ClinVar:

ClinVar aggregate classification (germline): Uncertain significance. Review status: criteria provided, multiple submitters, no conflicts (2 of 4 stars). 2 submissions from 2 submitters: Uncertain significance (2). Last evaluated 2025-08-27.

Conditions:
Inborn genetic diseases. Identifiers: MedGen C0950123, MeSH D030342.

Allele frequency attached by ClinVar (database versions not stated): ESP Exome Variant Server 0.00025; TOPMed 0.00011; gnomAD 0.00011; ExAC 0.00006.
gnomAD v4.1: 296 of 1,613,736 alleles (0.018%); highest among the groups gnomAD compares: Non-Finnish European, 0.023%; no homozygotes.

Submissions (2):

Ambry Genetics
Classification: Uncertain significance for Inborn genetic diseases. Last evaluated: 2025-08-27. Review status: criteria provided, single submitter. Criteria: Ambry Variant Classification Scheme 2023. Collection method: clinical testing. Allele origin: germline.

Labcorp Genetics (formerly Invitae), Labcorp
Classification: Uncertain significance. Last evaluated: 2024-12-02. Review status: criteria provided, single submitter. Criteria: Invitae Variant Classification Sherloc (09022015). Collection method: clinical testing. Allele origin: germline.
Comment: This sequence change replaces glutamic acid, which is acidic and polar, with glutamine, which is neutral and polar, at codon 679 of the TGFBI protein (p.Glu679Gln). This variant is present in population databases (rs200927007, gnomAD 0.01%). This variant has not been reported in the literature in individuals affected with TGFBI-related conditions. ClinVar contains an entry for this variant (Variation ID: 2049796). An algorithm developed to predict the effect of missense changes on protein structure and function (PolyPhen-2) suggests that this variant is likely to be tolerated. In summary, the available evidence is currently insufficient to determine the role of this variant in disease. Therefore, it has been classified as a Variant of Uncertain Significance.

NM_000358.3(TGFBI):c.2035G>C (p.Glu679Gln)

Gene: TGFBI (transforming growth factor beta induced; plus strand). Cytogenetic location: 5q31.1.
Variant type: single nucleotide variant.
Coding change: c.2035G>C on transcript NM_000358.3 (MANE Select); coding-DNA position 2035, G replaced by C.
Protein change: p.Glu679Gln; replaces glutamic acid 679 with glutamine.
Molecular consequence: missense variant.
Genome position (GRCh38, 1-based): chr5:136,063,209, G>C. VCF-style: chr5-136063209-G-C. GRCh37 (hg19) VCF-style: chr5-135398898-G-C.
Other names: short protein forms E679Q.
Identifiers: ClinVar variation 2049796 (VCV002049796.6), dbSNP rs200927007, ClinGen allele CA3420649.
Genomic context (GRCh38, chr5:136,063,209, plus strand): 5'-CTGCACCTATTTGACGTTACCAACTTCTCTTTTTCAGCCCCTGTCTATCAAAAGTTATTA[G>C]AGAGGATGAAGCATTAGCTTGAAGCACTACAGGAGGAATGCACCACGGCAGCTCTCCGCC-3'
Protein context (NP_000349.1, residues 669-683): RLAPVYQKLL[Glu679Gln]RMKH